The following is an entry in ClinVar:

NM_000292.3(PHKA2):c.2161A>G (p.Lys721Glu)

Gene: PHKA2 (phosphorylase kinase regulatory subunit alpha 2; minus strand). Cytogenetic location: Xp22.13.
Variant type: single nucleotide variant.
Coding change: c.2161A>G on transcript NM_000292.3 (MANE Select); coding-DNA position 2161, A replaced by G.
Protein change: p.Lys721Glu; replaces lysine 721 with glutamic acid.
Molecular consequence: missense variant.
Genome position (GRCh38, 1-based): chrX:18,910,937, T>C on the plus strand (A>G on the coding strand, the complement: PHKA2 is on the minus strand). VCF-style: chrX-18910937-T-C. GRCh37 (hg19) VCF-style: chrX-18929055-T-C.
Other names: short protein forms K721E.
Identifiers: ClinVar variation 1428502 (VCV001428502.8), dbSNP rs368123691, ClinGen allele CA10361702.

ClinVar aggregate classification (germline): Uncertain significance (1 of 4 stars; one submission).

Conditions:
Glycogen storage disease IXa1. Also called: GLYCOGEN STORAGE DISEASE VIII; GSD VIII; LIVER GLYCOGENOSIS, X-LINKED, TYPE I; Glycogen storage disease 8. Identifiers: Orphanet 264580, MedGen C3694531, MONDO:0010598, OMIM 306000.

Allele frequency attached by ClinVar (database versions not stated): gnomAD 0.00001 and 0.00002; gnomAD exomes 0.00003 and 0.00005; TOPMed 0.00008; ExAC 0.00009; ESP Exome Variant Server 0.00019.
gnomAD v4.1: 39 of 1,185,742 alleles (0.0033%); highest among the groups gnomAD compares: East Asian, 0.0061%; no homozygotes.

Submission:

Labcorp Genetics (formerly Invitae), Labcorp
Classification: Uncertain significance for Glycogen storage disease IXa1. Last evaluated: 2025-12-01. Review status: criteria provided, single submitter. Criteria: Invitae Variant Classification Sherloc (09022015). Collection method: clinical testing. Allele origin: germline.
Comment: This sequence change replaces lysine, which is basic and polar, with glutamic acid, which is acidic and polar, at codon 721 of the PHKA2 protein (p.Lys721Glu). This variant is present in population databases (rs368123691, gnomAD 0.02%). This variant has not been reported in the literature in individuals affected with PHKA2-related conditions. ClinVar contains an entry for this variant (Variation ID: 1428502). Invitae Evidence Modeling of protein sequence and biophysical properties (such as structural, functional, and spatial information, amino acid conservation, physicochemical variation, residue mobility, and thermodynamic stability) indicates that this missense variant is not expected to disrupt PHKA2 protein function with a negative predictive value of 80%. In summary, the available evidence is currently insufficient to determine the role of this variant in disease. Therefore, it has been classified as a Variant of Uncertain Significance.